The following is an entry in ClinVar:

NM_000214.3(JAG1):c.627C>A (p.His209Gln)

Gene: JAG1 (jagged canonical Notch ligand 1; minus strand). Cytogenetic location: 20p12.2.
Variant type: single nucleotide variant.
Coding change: c.627C>A on transcript NM_000214.3 (MANE Select); coding-DNA position 627, C replaced by A.
Protein change: p.His209Gln; replaces histidine 209 with glutamine.
Molecular consequence: missense variant.
Genome position (GRCh38, 1-based): chr20:10,658,535, G>T on the plus strand (C>A on the coding strand, the complement: JAG1 is on the minus strand). VCF-style: chr20-10658535-G-T. GRCh37 (hg19) VCF-style: chr20-10639183-G-T.
Other names: short protein forms H209Q.
Identifiers: ClinVar variation 1978385 (VCV001978385.4), dbSNP rs2067393373, ClinGen allele CA408240045.

ClinVar aggregate classification (germline): Uncertain significance (1 of 4 stars; one submission).

Conditions:
Alagille syndrome due to a JAG1 point mutation. Also called: Alagille Syndrome 1; HEPATIC DUCTULAR HYPOPLASIA, SYNDROMATIC; JAG1-Related Alagille Syndrome. Identifiers: Orphanet 261619, Orphanet 52, MedGen C1956125, MONDO:0016862, OMIM 118450.

Submission:

Labcorp Genetics (formerly Invitae), Labcorp
Classification: Uncertain significance for Alagille syndrome due to a JAG1 point mutation. Last evaluated: 2022-08-10. Review status: criteria provided, single submitter. Criteria: Invitae Variant Classification Sherloc (09022015). Collection method: clinical testing. Allele origin: germline.
Comment: In summary, the available evidence is currently insufficient to determine the role of this variant in disease. Therefore, it has been classified as a Variant of Uncertain Significance. Advanced modeling of protein sequence and biophysical properties (such as structural, functional, and spatial information, amino acid conservation, physicochemical variation, residue mobility, and thermodynamic stability) performed at Invitae indicates that this missense variant is expected to disrupt JAG1 protein function. This missense change has been observed in individual(s) with clinical features of JAG1-related conditions (PMID: 26785492). This variant is not present in population databases (gnomAD no frequency). This sequence change replaces histidine, which is basic and polar, with glutamine, which is neutral and polar, at codon 209 of the JAG1 protein (p.His209Gln).

Literature cited by the submitters: PubMed 26785492.